The following is an entry in ClinVar:

ClinVar aggregate classification (germline): Benign/Likely benign. Review status: criteria provided, multiple submitters, no conflicts (2 of 4 stars). 4 submissions from 4 submitters: Benign (1); Likely benign (2). 1 of the submissions does not count toward it. Last evaluated 2026-07-01.

Conditions:
KMT2D-related disorder. Also called: KMT2D-Related Disorders.
Kabuki syndrome. Also called: NIIKAWA-KUROKI SYNDROME; Kabuki make-up syndrome. Identifiers: Orphanet 2322, MedGen C0796004, MONDO:0016512.

Allele frequency attached by ClinVar (database versions not stated): gnomAD 0.00001; TOPMed 0.00006; gnomAD exomes 0.00011 and 0.00025; ExAC 0.00021.
gnomAD v4.1: 65 of 1,613,470 alleles (0.004%); highest among the groups gnomAD compares: Admixed American, 0.11%; no homozygotes.

Submissions (4):

CeGaT Center for Human Genetics Tuebingen
Classification: Likely benign. Last evaluated: 2026-07-01. Review status: criteria provided, single submitter. Criteria: CeGaT Center For Human Genetics Tuebingen Variant Classification Criteria Version 2. Collection method: clinical testing. Allele origin: germline. Affected: yes. Observed: 2 variant alleles.
Comment: KMT2D: PP2, BS1

Labcorp Genetics (formerly Invitae), Labcorp
Classification: Likely benign for Kabuki syndrome. Last evaluated: 2025-12-23. Review status: criteria provided, single submitter. Criteria: Invitae Variant Classification Sherloc (09022015). Collection method: clinical testing. Allele origin: germline.

GeneDx
Classification: Benign. Last evaluated: 2020-07-13. Review status: criteria provided, single submitter. Criteria: GeneDx Variant Classification Process June 2021. Collection method: clinical testing. Allele origin: germline. Affected: yes.

PreventionGenetics, part of Exact Sciences
Classification: Likely benign for KMT2D-related condition. Last evaluated: 2022-06-20. Review status: no assertion criteria provided. Collection method: clinical testing. Allele origin: germline. Not counted in ClinVar's aggregate classification.
Comment: This variant is classified as likely benign based on ACMG/AMP sequence variant interpretation guidelines (Richards et al. 2015 PMID: 25741868, with internal and published modifications).

NM_003482.4(KMT2D):c.16115C>G (p.Thr5372Ser)

Gene: KMT2D (lysine methyltransferase 2D; minus strand). Cytogenetic location: 12q13.12.
Variant type: single nucleotide variant.
Coding change: c.16115C>G on transcript NM_003482.4 (MANE Select); coding-DNA position 16115, C replaced by G.
Protein change: p.Thr5372Ser; replaces threonine 5372 with serine.
Molecular consequence: missense variant.
Genome position (GRCh38, 1-based): chr12:49,022,813, G>C on the plus strand (C>G on the coding strand, the complement: KMT2D is on the minus strand). VCF-style: chr12-49022813-G-C. GRCh37 (hg19) VCF-style: chr12-49416596-G-C.
Other names: short protein forms T5372S.
Identifiers: ClinVar variation 510079 (VCV000510079.21), dbSNP rs779587030, ClinGen allele CA6545426.